The following is an entry in ClinVar:

ClinVar aggregate classification (germline): Uncertain significance. Review status: criteria provided, single submitter (1 of 4 stars). 2 submissions from 2 submitters: Uncertain significance (1). 1 of the submissions does not count toward it. Last evaluated 2023-08-30.

Conditions:
Autosomal recessive Alport syndrome (ATS2). Also called: COL4A4 Alport Syndrome and Thin Basement Membrane Nephropathy; Alport syndrome type 2; COL4A3-Related Nephropathy; ALPORT SYNDROME 2, AUTOSOMAL RECESSIVE. Identifiers: Orphanet 63, Orphanet 88919, MedGen C4746745, MONDO:0008762, OMIM 203780.

gnomAD v4.1: 1 of 1,613,470 alleles (0.000062%); highest among the groups gnomAD compares: South Asian, 0.0011%; no homozygotes.

Submissions (2):

Labcorp Genetics (formerly Invitae), Labcorp
Classification: Uncertain significance. Last evaluated: 2023-08-30. Review status: criteria provided, single submitter. Criteria: Invitae Variant Classification Sherloc (09022015). Collection method: clinical testing. Allele origin: germline.
Comment: In summary, the available evidence is currently insufficient to determine the role of this variant in disease. Therefore, it has been classified as a Variant of Uncertain Significance. Variants that disrupt the consensus splice site are a relatively common cause of aberrant splicing (PMID: 17576681, 9536098). Algorithms developed to predict the effect of sequence changes on RNA splicing suggest that this variant may disrupt the consensus splice site. Experimental studies and prediction algorithms are not available or were not evaluated, and the functional significance of this variant is currently unknown. ClinVar contains an entry for this variant (Variation ID: 373896). This variant has not been reported in the literature in individuals affected with COL4A3-related conditions. This variant is not present in population databases (gnomAD no frequency). This sequence change replaces glycine, which is neutral and non-polar, with arginine, which is basic and polar, at codon 1319 of the COL4A3 protein (p.Gly1319Arg). This variant also falls at the last nucleotide of exon 44, which is part of the consensus splice site for this exon.

Clinical Genetics and Genomics Laboratory, Noor Shahriyar Hospital
Classification: Pathogenic for Autosomal recessive Alport syndrome. Review status: no assertion criteria provided. Collection method: clinical testing. Allele origin: germline. Inheritance: Autosomal recessive inheritance. Affected: yes. Not counted in ClinVar's aggregate classification.

Literature cited by the submitters: PubMed 17576681 (cited by Labcorp Genetics (formerly Invitae), Labcorp); PubMed 9536098 (cited by Labcorp Genetics (formerly Invitae), Labcorp).

NM_000091.5(COL4A3):c.3955G>A (p.Gly1319Arg)

Genes: MFF-DT (MFF divergent transcript; minus strand), COL4A3 (collagen type IV alpha 3 chain; plus strand). Cytogenetic location: 2q36.3.
Variant type: single nucleotide variant.
Coding change: c.3955G>A on transcript NM_000091.5 (MANE Select); coding-DNA position 3955, G replaced by A.
Protein change: p.Gly1319Arg; replaces glycine 1319 with arginine.
Molecular consequence: missense variant.
Genome position (GRCh38, 1-based): chr2:227,303,110, G>A. VCF-style: chr2-227303110-G-A. GRCh37 (hg19) VCF-style: chr2-228167826-G-A.
Other names: short protein forms G1319R.
Identifiers: ClinVar variation 373896 (VCV000373896.7), dbSNP rs765661521, ClinGen allele CA16043356.